The following is an entry in ClinVar:

ClinVar aggregate classification (germline): Likely pathogenic. Review status: criteria provided, single submitter (1 of 4 stars). 3 submissions from 3 submitters: Likely pathogenic (1). 2 of the submissions do not count toward it. Last evaluated 2023-07-22.

Conditions:
Bruck syndrome 2 (BRKS2). Also called: OSTEOGENESIS IMPERFECTA WITH CONGENITAL JOINT CONTRACTURES. Identifiers: Orphanet 2771, MedGen C1836602, MONDO:0012217, OMIM 609220.

Allele frequency attached by ClinVar (database versions not stated): ExAC 0.00001; gnomAD 0.00001; gnomAD exomes 0.00001; TOPMed 0.00001.
gnomAD v4.1: 15 of 1,611,022 alleles (0.00093%); highest among the groups gnomAD compares: Admixed American, 0.0017%; no homozygotes.

Submissions (3):

Neuberg Centre For Genomic Medicine, NCGM
Classification: Likely pathogenic for Bruck syndrome 2. Last evaluated: 2023-07-22. Review status: criteria provided, single submitter. Criteria: ACMG Guidelines, 2015. Collection method: clinical testing. Allele origin: germline. Inheritance: Autosomal recessive inheritance. Affected: yes.
Comment: The missense c.1856G>A p.Arg619His variant in PLOD2 gene has been reported previously in homozygous state in multiple individuals affected with Bruck syndrome Ha-Vinh et al., 2004; Puig-Hervás et al., 2012; Caparros-Martin et al., 2016; Mumm et al., 2020; Wang et al., 2022. This variant has also been previously identified in homozygous state in proband and heterozygous state in parents and sisters Ha-Vinh et al., 2004; Wang et al., 2022. The p.Arg619His variant is present with allele frequency of 0.001% in gnomAD Exomes. This variant has been submitted to the ClinVar database as Uncertain Significance / Pathogenic. Multiple lines of computational evidence Polyphen - Probably Damaging, SIFT - Damaging and MutationTaster - Disease causing predict a damaging effect on protein structure and function for this variant. The reference amino acid at this position in PLOD2 is predicted as conserved by GERP++ and PhyloP across 100 vertebrates. TThe amino acid Arg at position 619 is changed to a His changing protein sequence and it might alter its composition and physico-chemical properties. However, additional functional studies will be required to prove the pathogenicity of this variant. For these reasons, this variant has been classified as Likely Pathogenic.

OMIM
Classification: Pathogenic for BRUCK SYNDROME 2. Last evaluated: 2004-12-01. Review status: no assertion criteria provided. Collection method: literature only. Allele origin: germline. Not counted in ClinVar's aggregate classification.

Department of Traditional Chinese Medicine, Fujian Provincial Hospital
Classification: Uncertain significance for Bruck syndrome 2. Review status: no assertion criteria provided. Collection method: research. Allele origin: inherited. Not counted in ClinVar's aggregate classification.

Literature cited by the submitters: PubMed 15523624 (cited by OMIM); PubMed 28116328 (cited by Department of Traditional Chinese Medicine, Fujian Provincial Hospital).

NM_182943.3(PLOD2):c.1856G>A (p.Arg619His)

Gene: PLOD2 (procollagen-lysine,2-oxoglutarate 5-dioxygenase 2; minus strand). Cytogenetic location: 3q24.
Variant type: single nucleotide variant.
Coding change: c.1856G>A on transcript NM_182943.3 (MANE Select); coding-DNA position 1856, G replaced by A.
Protein change: p.Arg619His; replaces arginine 619 with histidine.
Molecular consequence: missense variant.
Genome position (GRCh38, 1-based): chr3:146,071,416, C>T on the plus strand (G>A on the coding strand, the complement: PLOD2 is on the minus strand). VCF-style: chr3-146071416-C-T. GRCh37 (hg19) VCF-style: chr3-145789203-C-T.
Other names: c.1793G>A, p.Arg598His (NM_000935.3); short protein forms R598H, R619H.
Identifiers: ClinVar variation 7643 (VCV000007643.5), dbSNP rs121434461, ClinGen allele CA118950.